The following is an entry in ClinVar:

ClinVar aggregate classification (germline): Uncertain significance (1 of 4 stars; one submission).

gnomAD v4.1: 6 of 1,612,696 alleles (0.00037%); highest among the groups gnomAD compares: East Asian, 0.0022%; no homozygotes.

Submission:

Labcorp Genetics (formerly Invitae), Labcorp
Classification: Uncertain significance. Last evaluated: 2025-10-20. Review status: criteria provided, single submitter. Criteria: Invitae Variant Classification Sherloc (09022015). Collection method: clinical testing. Allele origin: germline.
Comment: This sequence change replaces proline, which is neutral and non-polar, with leucine, which is neutral and non-polar, at codon 481 of the ERBB2 protein (p.Pro481Leu). This variant is present in population databases (rs370565888, gnomAD 0.02%). This variant has not been reported in the literature in individuals affected with ERBB2-related conditions. ClinVar contains an entry for this variant (Variation ID: 3714290). Invitae Evidence Modeling of protein sequence and biophysical properties (such as structural, functional, and spatial information, amino acid conservation, physicochemical variation, residue mobility, and thermodynamic stability) indicates that this missense variant is not expected to disrupt ERBB2 protein function with a negative predictive value of 80%. In summary, the available evidence is currently insufficient to determine the role of this variant in disease. Therefore, it has been classified as a Variant of Uncertain Significance.

NM_004448.4(ERBB2):c.1442C>T (p.Pro481Leu)

Gene: ERBB2 (erb-b2 receptor tyrosine kinase 2; plus strand). Cytogenetic location: 17q12.
Variant type: single nucleotide variant.
Coding change: c.1442C>T on transcript NM_004448.4 (MANE Select); coding-DNA position 1442, C replaced by T.
Protein change: p.Pro481Leu; replaces proline 481 with leucine.
Molecular consequence: missense variant. On other transcripts: non-coding transcript variant (1), intron variant (1).
Genome position (GRCh38, 1-based): chr17:39,715,868, C>T. VCF-style: chr17-39715868-C-T. GRCh37 (hg19) VCF-style: chr17-37872121-C-T.
Other names: c.1442C>T, p.Pro481Leu (NM_001382793.1, NM_001382794.1, NM_001382795.1 and 12 more transcripts); c.1262C>T, p.Pro421Leu (NM_001382799.1); c.1184C>T, p.Pro395Leu (NM_001382802.1); c.1352C>T, p.Pro451Leu (NM_001005862.3, NM_001289938.2, NM_001382782.1 and 1 more transcripts); c.1397C>T, p.Pro466Leu (NM_001289936.2); c.1559C>T, p.Pro520Leu (NM_001382784.1, NM_001382786.1); c.1517C>T, p.Pro506Leu (NM_001382787.1); c.1463C>T, p.Pro488Leu (NM_001382789.1); and 3 more; short protein forms P395L, P466L, P481L, P205L, P488L, P506L, P421L, P451L.
Identifiers: ClinVar variation 3714290 (VCV003714290.2).